The following is an entry in ClinVar:

NM_133261.3(GIPC3):c.807G>A (p.Thr269=)

Gene: GIPC3 (GIPC PDZ domain containing family member 3; plus strand). Cytogenetic location: 19p13.3.
Variant type: single nucleotide variant.
Coding change: c.807G>A on transcript NM_133261.3 (MANE Select); coding-DNA position 807, G replaced by A.
Protein change: p.Thr269=; no amino-acid change (threonine 269 retained).
Molecular consequence: synonymous variant.
Genome position (GRCh38, 1-based): chr19:3,590,058, G>A. VCF-style: chr19-3590058-G-A. GRCh37 (hg19) VCF-style: chr19-3590056-G-A.
Identifiers: ClinVar variation 509518 (VCV000509518.7), dbSNP rs141419242, ClinGen allele CA9080600.

ClinVar aggregate classification (germline): Likely benign. Review status: criteria provided, multiple submitters, no conflicts (2 of 4 stars). 4 submissions from 4 submitters: Likely benign (3). 1 of the submissions does not count toward it. Last evaluated 2024-01-30.

Conditions:
GIPC3-related disorder. Also called: GIPC3-related condition.

Allele frequency attached by ClinVar (database versions not stated): ESP Exome Variant Server 0.00015; TOPMed 0.00016; gnomAD 0.00017 and 0.00020; gnomAD exomes 0.00026 and 0.00033; ExAC 0.00030; 1000 Genomes Project 30x 0.00047; 1000 Genomes Project 0.00060.
gnomAD v4.1: 418 of 1,612,260 alleles (0.026%); highest among the groups gnomAD compares: East Asian, 0.18%; no homozygotes.

Submissions (4):

Blueprint Genetics
Classification: Likely benign. Last evaluated: 2024-01-30. Review status: criteria provided, single submitter. Criteria: ACMG Guidelines, 2015. Collection method: clinical testing. Allele origin: germline.

Labcorp Genetics (formerly Invitae), Labcorp
Classification: Likely benign. Last evaluated: 2021-09-30. Review status: criteria provided, single submitter. Criteria: Invitae Variant Classification Sherloc (09022015). Collection method: clinical testing. Allele origin: germline.

GeneDx
Classification: Likely benign. Last evaluated: 2017-05-10. Review status: criteria provided, single submitter. Criteria: GeneDx Variant Classification (06012015). Collection method: clinical testing. Allele origin: germline. Affected: yes.
Comment: This variant is considered likely benign or benign based on one or more of the following criteria: it is a conservative change, it occurs at a poorly conserved position in the protein, it is predicted to be benign by multiple in silico algorithms, and/or has population frequency not consistent with disease.

PreventionGenetics, part of Exact Sciences
Classification: Likely benign for GIPC3-related condition. Last evaluated: 2024-06-30. Review status: no assertion criteria provided. Collection method: clinical testing. Allele origin: germline. Not counted in ClinVar's aggregate classification.
Comment: This variant is classified as likely benign based on ACMG/AMP sequence variant interpretation guidelines (Richards et al. 2015 PMID: 25741868, with internal and published modifications).